The following is an entry in ClinVar:

ClinVar aggregate classification (germline): Likely pathogenic (1 of 4 stars; one submission).

Conditions:
Neurofibromatosis, type 1 (NF1). Also called: Neurofibromatosis, type I; VON RECKLINGHAUSEN DISEASE; NEUROFIBROMATOSIS, TYPE I, SOMATIC; Peripheral type neurofibromatosis. Identifiers: Orphanet 636, MedGen C0027831, MONDO:0018975, OMIM 162200. Disease mechanism: loss of function.

Submission:

Juno Genomics, Hangzhou Juno Genomics, Inc
Classification: Likely pathogenic for Neurofibromatosis, type 1. Review status: criteria provided, single submitter. Criteria: ACMG Guidelines, 2015. Collection method: clinical testing. Allele origin: germline. Affected: yes.
Comment: Absent from controls (or at extremely low frequency if recessive) in Genome Aggregation Database, Exome Sequencing Project, 1000 Genomes Project, or Exome Aggregation Consortium.;Null variant in a gene where loss of function (LOF) is a known mechanism of disease.

NM_001042492.3(NF1):c.2572dup (p.Ser858fs)

Gene: NF1 (neurofibromin 1; plus strand). Cytogenetic location: 17q11.2.
Variant type: Duplication.
Coding change: c.2572dup on transcript NM_001042492.3 (MANE Select); coding-DNA position 2572, one base duplicated (T; older notation c.2572dupT).
Protein change: p.Ser858fs; shifts the reading frame from serine 858.
Molecular consequence: frameshift variant.
Genome position (GRCh38, 1-based): chr17:31,229,187, T duplicated; the last of 2 consecutive T bases (chr17:31,229,186-31,229,187); duplicating either gives the same sequence. VCF-style (leftmost placement, unchanged base first): chr17-31229185-A-AT. GRCh37 (hg19) VCF-style: chr17-29556203-A-AT.
Other names: c.2572dup, p.Ser858Phefs (NM_000267.4); short protein forms S858fs.
Identifiers: ClinVar variation 3382197 (VCV003382197.2).